The following is an entry in ClinVar:

ClinVar aggregate classification (germline): Uncertain significance. Review status: criteria provided, multiple submitters, no conflicts (2 of 4 stars). 2 submissions from 2 submitters: Uncertain significance (2). Last evaluated 2024-10-19.

Conditions:
Long QT syndrome (LQTS). Identifiers: MedGen C0023976, MeSH D008133, MONDO:0002442. Disease mechanism: loss of function. Inheritance: Various modes of inheritance.
Cardiovascular phenotype. Identifiers: MedGen CN230736.

Allele frequency attached by ClinVar (database versions not stated): ExAC 0.00002; gnomAD 0.00002 and 0.00003; gnomAD exomes 0.00002; TOPMed 0.00002.
gnomAD v4.1: 40 of 1,613,856 alleles (0.0025%); highest among the groups gnomAD compares: Non-Finnish European, 0.003%; no homozygotes.

Submissions (2):

Ambry Genetics
Classification: Uncertain significance for Cardiovascular phenotype. Last evaluated: 2024-10-19. Review status: criteria provided, single submitter. Criteria: Ambry Variant Classification Scheme 2023. Collection method: clinical testing. Allele origin: germline.

Labcorp Genetics (formerly Invitae), Labcorp
Classification: Uncertain significance for Long QT syndrome. Last evaluated: 2021-05-22. Review status: criteria provided, single submitter. Criteria: Invitae Variant Classification Sherloc (09022015). Collection method: clinical testing. Allele origin: germline.
Comment: In summary, this variant is a rare missense change with uncertain impact on protein function. There is no indication that it causes disease, but the available evidence is currently insufficient to prove that conclusively. Therefore, it has been classified as a Variant of Uncertain Significance. Algorithms developed to predict the effect of missense changes on protein structure and function do not agree on the potential impact of this missense change (SIFT: "deleterious", MutationTaster: "polymorphism", Align-GVGD: "Class C65"). This variant is present in population databases (rs755140795, ExAC 0.005%) but has not been reported in the literature in individuals with a AKAP9-related disease. This sequence change replaces serine with cystine at codon 144 of the AKAP9 protein (p.Ser144Cys). The serine residue is highly conserved and there is a moderate physicochemical difference between serine and cystine.

NM_005751.5(AKAP9):c.431C>G (p.Ser144Cys)

Gene: AKAP9 (A-kinase anchoring protein 9; plus strand). Cytogenetic location: 7q21.2.
Variant type: single nucleotide variant.
Coding change: c.431C>G on transcript NM_005751.5 (MANE Select); coding-DNA position 431, C replaced by G.
Protein change: p.Ser144Cys; replaces serine 144 with cysteine.
Molecular consequence: missense variant.
Genome position (GRCh38, 1-based): chr7:91,992,910, C>G. VCF-style: chr7-91992910-C-G. GRCh37 (hg19) VCF-style: chr7-91622224-C-G.
Other names: c.431C>G, p.Ser144Cys (NM_147185.3); short protein forms S144C.
Identifiers: ClinVar variation 412020 (VCV000412020.23), dbSNP rs755140795, ClinGen allele CA4335813.